The following is an entry in ClinVar:

ClinVar aggregate classification (germline): Conflicting classifications of pathogenicity. Review status: criteria provided, conflicting classifications (1 of 4 stars). 3 submissions from 3 submitters: Pathogenic (1); Uncertain significance (1). 1 of the submissions does not count toward it. Last evaluated 2026-02-05.

Conditions:
Colorectal cancer, susceptibility to, 12 (CRCS12). Also called: COLORECTAL CANCER, SUSCEPTIBILITY TO, ON CHROMOSOME 12q24. Identifiers: Orphanet 220460, MedGen C3554460, MONDO:0014038, OMIM 615083.
Hereditary cancer-predisposing syndrome. Also called: Neoplastic Syndromes, Hereditary; Tumor predisposition; Hereditary neoplastic syndrome; Hereditary Cancer Syndrome. Identifiers: Orphanet 140162, MedGen C0027672, MeSH D009386, MONDO:0015356.

Allele frequency attached by ClinVar (database versions not stated): gnomAD exomes 0.00001 and below 0.00001.

Submissions (3):

Ambry Genetics
Classification: Uncertain significance for Hereditary cancer-predisposing syndrome. Last evaluated: 2026-02-05. Review status: criteria provided, single submitter. Criteria: Ambry Variant Classification Scheme 2023. Collection method: clinical testing. Allele origin: germline.
Comment: The p.R150* variant (also known as c.448C>T), located in coding exon 6 of the POLE gene, results from a C to T substitution at nucleotide position 448. This changes the amino acid from an arginine to a stop codon within coding exon 6. This alteration is expected to result in loss of function by premature protein truncation or nonsense-mediated mRNA decay. Although biallelic loss of function of POLE has been associated with autosomal recessive POLE deficiency, haploinsufficiency of POLE has not been established as a mechanism of disease for POLE-related polymerase proofreading-associated polyposis (PPAP) and POLE-related CMMRD-like syndrome. Based on the supporting evidence, this variant is expected to be causative of POLE deficiency when present along with a second pathogenic variant on the other allele; however, its clinical significance for PPAP and POLE-related CMMRD-like syndrome is unclear.

Labcorp Genetics (formerly Invitae), Labcorp
Classification: Pathogenic. Last evaluated: 2025-08-20. Review status: criteria provided, single submitter. Criteria: Invitae Variant Classification Sherloc (09022015). Collection method: clinical testing. Allele origin: germline.
Comment: This sequence change creates a premature translational stop signal (p.Arg150*) in the POLE gene. It is expected to result in an absent or disrupted protein product. Loss-of-function variants in POLE are known to be pathogenic (PMID: 23230001, 25948378, 30503519). This variant is present in population databases (rs775815329, gnomAD 0.006%). This variant has not been reported in the literature in individuals affected with POLE-related conditions. ClinVar contains an entry for this variant (Variation ID: 473667). For these reasons, this variant has been classified as Pathogenic.

Counsyl
Classification: Uncertain significance for Colorectal cancer, susceptibility to, 12. Last evaluated: 2017-11-01. Review status: no assertion criteria provided. Collection method: clinical testing. Allele origin: unknown. Not counted in ClinVar's aggregate classification.

Literature cited by the submitters: PubMed 23230001 (cited by Labcorp Genetics (formerly Invitae), Labcorp); PubMed 25948378 (cited by Labcorp Genetics (formerly Invitae), Labcorp); PubMed 30503519 (cited by Labcorp Genetics (formerly Invitae), Labcorp).

NM_006231.4(POLE):c.448C>T (p.Arg150Ter)

Gene: POLE (DNA polymerase epsilon, catalytic subunit; minus strand). Cytogenetic location: 12q24.33.
Variant type: single nucleotide variant.
Coding change: c.448C>T on transcript NM_006231.4 (MANE Select); coding-DNA position 448, C replaced by T.
Protein change: p.Arg150Ter; replaces arginine 150 with a stop codon.
Molecular consequence: nonsense.
Genome position (GRCh38, 1-based): chr12:132,679,627, G>A on the plus strand (C>T on the coding strand, the complement: POLE is on the minus strand). VCF-style: chr12-132679627-G-A. GRCh37 (hg19) VCF-style: chr12-133256213-G-A.
Other names: short protein forms R150*.
Identifiers: ClinVar variation 473667 (VCV000473667.17), dbSNP rs775815329, ClinGen allele CA246302002.
Genomic context (GRCh38, chr12:132,679,627, plus strand): 5'-TCTCCTTCCTCACTTTGACAAGATCCTCCACAGTGTGGAAGGACAGCCTGATGTAATTTC[G>A]CTTCAAACCCACCAAGTGATTTGGCTATAATGCGAAGAGATCACGCTCATTGGTTCAAGA-3'